The following is an entry in ClinVar:

NM_006017.3(PROM1):c.203C>T (p.Pro68Leu)

Gene: PROM1 (prominin 1; minus strand). Cytogenetic location: 4p15.32.
Variant type: single nucleotide variant.
Coding change: c.203C>T on transcript NM_006017.3 (MANE Select); coding-DNA position 203, C replaced by T.
Protein change: p.Pro68Leu; replaces proline 68 with leucine.
Molecular consequence: missense variant.
Genome position (GRCh38, 1-based): chr4:16,075,704, G>A on the plus strand (C>T on the coding strand, the complement: PROM1 is on the minus strand). VCF-style: chr4-16075704-G-A. GRCh37 (hg19) VCF-style: chr4-16077327-G-A.
Other names: c.203C>T, p.Pro68Leu (NM_001145847.2, NM_001145848.2, NM_001145849.2 and 6 more transcripts); c.203C>T (NM_006017.2); short protein forms P68L.
Identifiers: ClinVar variation 1008338 (VCV001008338.11), dbSNP rs374498717, ClinGen allele CA2867171.
Genomic context (GRCh38, chr4:16,075,704, plus strand): 5'-CGTTTGGAGATAAATCCTATCTTTCCCTGCCATCAGCACTTACCTTCTGGGAAATCACGC[G>A]GCTGTACCACATAGAGAAAGATATGCACTAGTTCAAAGAGAATGCCAATGGGTCCAGCTT-3'
Protein context (NP_006008.1, residues 58-78): LVHIFLYVVQ[Pro68Leu]RDFPEDTLRK

ClinVar aggregate classification (germline): Uncertain significance. Review status: criteria provided, multiple submitters, no conflicts (2 of 4 stars). 2 submissions from 2 submitters: Uncertain significance (2). Last evaluated 2025-09-10.

Conditions:
Inborn genetic diseases. Identifiers: MedGen C0950123, MeSH D030342.

Allele frequency attached by ClinVar (database versions not stated): gnomAD 0.00001 and 0.00002; TOPMed 0.00001; gnomAD exomes 0.00003; ExAC 0.00005; ESP Exome Variant Server 0.00008.

Submissions (2):

Ambry Genetics
Classification: Uncertain significance for Inborn genetic diseases. Last evaluated: 2025-09-10. Review status: criteria provided, single submitter. Criteria: Ambry Variant Classification Scheme 2023. Collection method: clinical testing. Allele origin: germline.

Labcorp Genetics (formerly Invitae), Labcorp
Classification: Uncertain significance. Last evaluated: 2025-05-02. Review status: criteria provided, single submitter. Criteria: Invitae Variant Classification Sherloc (09022015). Collection method: clinical testing. Allele origin: germline.
Comment: This sequence change replaces proline, which is neutral and non-polar, with leucine, which is neutral and non-polar, at codon 68 of the PROM1 protein (p.Pro68Leu). This variant is present in population databases (rs374498717, gnomAD 0.02%). This variant has not been reported in the literature in individuals affected with PROM1-related conditions. ClinVar contains an entry for this variant (Variation ID: 1008338). Invitae Evidence Modeling of protein sequence and biophysical properties (such as structural, functional, and spatial information, amino acid conservation, physicochemical variation, residue mobility, and thermodynamic stability) indicates that this missense variant is expected to disrupt PROM1 protein function with a positive predictive value of 80%. In summary, the available evidence is currently insufficient to determine the role of this variant in disease. Therefore, it has been classified as a Variant of Uncertain Significance.